The following is an entry in ClinVar:

NM_000551.4(VHL):c.99G>A (p.Ser33=)

Gene: VHL (von Hippel-Lindau tumor suppressor; plus strand). Cytogenetic location: 3p25.3.
Variant type: single nucleotide variant.
Coding change: c.99G>A on transcript NM_000551.4 (MANE Select); coding-DNA position 99, G replaced by A.
Protein change: p.Ser33=; no amino-acid change (serine 33 retained).
Molecular consequence: synonymous variant. On other transcripts: non-coding transcript variant (1).
Genome position (GRCh38, 1-based): chr3:10,141,946, G>A. VCF-style: chr3-10141946-G-A. GRCh37 (hg19) VCF-style: chr3-10183630-G-A.
Other names: c.99G>A, p.Ser33= (NM_001354723.2, NM_198156.3).
Identifiers: ClinVar variation 3232227 (VCV003232227.2), dbSNP rs912159589, ClinGen allele CA432536259.

ClinVar aggregate classification (germline): Benign/Likely benign. Review status: criteria provided, multiple submitters, no conflicts (2 of 4 stars). 2 submissions from 2 submitters: Benign (1); Likely benign (1). Last evaluated 2025-06-10.

Conditions:
Hereditary cancer-predisposing syndrome. Also called: Hereditary Cancer Syndrome; Tumor predisposition; Neoplastic Syndromes, Hereditary; Hereditary neoplastic syndrome. Identifiers: Orphanet 140162, MedGen C0027672, MeSH D009386, MONDO:0015356.
Von Hippel-Lindau syndrome (VHLS). Also called: VHL syndrome; Von Hippel-Lindau; von Hippel–Lindau syndrome. Identifiers: Orphanet 892, MedGen C0019562, MONDO:0008667, OMIM 193300. Disease mechanism: loss of function.

Submissions (2):

Myriad Genetics, Inc.
Classification: Benign for Von Hippel-Lindau syndrome. Last evaluated: 2025-06-10. Review status: criteria provided, single submitter. Criteria: Myriad Autosomal Dominant, Autosomal Recessive and X-Linked Classification Criteria (2023). Collection method: clinical testing. Allele origin: unknown.
Comment: This variant is considered benign. This variant is a silent/synonymous amino acid change and it is not expected to impact splicing.

Ambry Genetics
Classification: Likely benign for Hereditary cancer-predisposing syndrome. Last evaluated: 2023-10-15. Review status: criteria provided, single submitter. Criteria: Ambry Variant Classification Scheme 2023. Collection method: clinical testing. Allele origin: germline.